The following is an entry in ClinVar:

ClinVar aggregate classification (germline): Uncertain significance (1 of 4 stars; one submission).

Conditions:
Cardiovascular phenotype. Identifiers: MedGen CN230736.

Allele frequency attached by ClinVar (database versions not stated): gnomAD exomes below 0.00001; ExAC 0.00001.
gnomAD v4.1: 2 of 1,614,228 alleles (0.00012%); highest among the groups gnomAD compares: Non-Finnish European, 0.00017%; no homozygotes.

Submission:

Ambry Genetics
Classification: Uncertain significance for Cardiovascular phenotype. Last evaluated: 2021-07-12. Review status: criteria provided, single submitter. Criteria: Ambry Variant Classification Scheme 2023. Collection method: clinical testing. Allele origin: germline.
Comment: The p.H150R variant (also known as c.449A>G), located in coding exon 4 of the ABCG8 gene, results from an A to G substitution at nucleotide position 449. The histidine at codon 150 is replaced by arginine, an amino acid with highly similar properties. This amino acid position is conserved. In addition, the in silico prediction for this alteration is inconclusive. Since supporting evidence is limited at this time, the clinical significance of this alteration remains unclear.

NM_022437.3(ABCG8):c.449A>G (p.His150Arg)

Gene: ABCG8 (ATP binding cassette subfamily G member 8; plus strand). Cytogenetic location: 2p21.
Variant type: single nucleotide variant.
Coding change: c.449A>G on transcript NM_022437.3 (MANE Select); coding-DNA position 449, A replaced by G.
Protein change: p.His150Arg; replaces histidine 150 with arginine.
Molecular consequence: missense variant.
Genome position (GRCh38, 1-based): chr2:43,851,710, A>G. VCF-style: chr2-43851710-A-G. GRCh37 (hg19) VCF-style: chr2-44078849-A-G.
Other names: c.449A>G, p.His150Arg (NM_001357321.2); short protein forms H150R.
Identifiers: ClinVar variation 1741012 (VCV001741012.2), dbSNP rs772630646, ClinGen allele CA1637019.